The following is an entry in ClinVar:

ClinVar aggregate classification (germline): Conflicting classifications of pathogenicity. Review status: criteria provided, conflicting classifications (1 of 4 stars). 4 submissions from 4 submitters: Likely pathogenic (1); Uncertain significance (3). Last evaluated 2025-08-22.

Conditions:
Inborn genetic diseases. Identifiers: MedGen C0950123, MeSH D030342.
X-linked Alport syndrome (ATS1). Also called: COL4A5-Related Nephropathy; NEPHROPATHY AND DEAFNESS, X-LINKED. Identifiers: Orphanet 63, Orphanet 88917, MedGen C4746986, MONDO:0010520, OMIM 301050.

Allele frequency attached by ClinVar (database versions not stated): gnomAD exomes below 0.00001; gnomAD 0.00001; TOPMed 0.00001.
gnomAD v4.1: 3 of 1,153,326 alleles (0.00026%); highest among the groups gnomAD compares: Non-Finnish European, 0.00035%; no homozygotes.

Submissions (4):

Labcorp Genetics (formerly Invitae), Labcorp
Classification: Uncertain significance. Last evaluated: 2025-08-22. Review status: criteria provided, single submitter. Criteria: Invitae Variant Classification Sherloc (09022015). Collection method: clinical testing. Allele origin: germline.
Comment: This sequence change replaces isoleucine, which is neutral and non-polar, with valine, which is neutral and non-polar, at codon 706 of the COL4A5 protein (p.Ile706Val). This variant is not present in population databases (gnomAD no frequency). This variant has not been reported in the literature in individuals affected with COL4A5-related conditions. ClinVar contains an entry for this variant (Variation ID: 932073). Invitae Evidence Modeling of protein sequence and biophysical properties (such as structural, functional, and spatial information, amino acid conservation, physicochemical variation, residue mobility, and thermodynamic stability) indicates that this missense variant is not expected to disrupt COL4A5 protein function with a negative predictive value of 95%. In summary, the available evidence is currently insufficient to determine the role of this variant in disease. Therefore, it has been classified as a Variant of Uncertain Significance.

Blueprint Genetics
Classification: Uncertain significance. Last evaluated: 2023-12-14. Review status: criteria provided, single submitter. Criteria: ACMG Guidelines, 2015. Collection method: clinical testing. Allele origin: germline.

Ambry Genetics
Classification: Uncertain significance for Inborn genetic diseases. Last evaluated: 2023-02-15. Review status: criteria provided, single submitter. Criteria: Ambry Variant Classification Scheme 2023. Collection method: clinical testing. Allele origin: germline.

Centre for Mendelian Genomics, University Medical Centre Ljubljana
Classification: Likely pathogenic for X-linked Alport syndrome. Last evaluated: 2019-03-15. Review status: criteria provided, single submitter. Criteria: ACMG Guidelines, 2015. Collection method: clinical testing. Allele origin: unknown. Affected: yes.
Comment: This variant was classified as: Likely pathogenic. The following ACMG criteria were applied in classifying this variant: PM1,PM2,PP2,PP4.

NM_033380.3(COL4A5):c.2116A>G (p.Ile706Val)

Gene: COL4A5 (collagen type IV alpha 5 chain; plus strand). Cytogenetic location: Xq22.3.
Variant type: single nucleotide variant.
Coding change: c.2116A>G on transcript NM_033380.3 (MANE Select); coding-DNA position 2116, A replaced by G.
Protein change: p.Ile706Val; replaces isoleucine 706 with valine.
Molecular consequence: missense variant.
Genome position (GRCh38, 1-based): chrX:108,601,959, A>G. VCF-style: chrX-108601959-A-G. GRCh37 (hg19) VCF-style: chrX-107845189-A-G.
Other names: c.2116A>G, p.Ile706Val (NM_000495.5); c.2116A>G (NM_000495.3); short protein forms I706V.
Identifiers: ClinVar variation 932073 (VCV000932073.7), dbSNP rs1369565068, ClinGen allele CA413847044.